The following is an entry in ClinVar:

NM_138927.4(SON):c.4037C>T (p.Pro1346Leu)

Gene: SON (SON DNA and RNA binding protein; plus strand). Cytogenetic location: 21q22.11.
Variant type: single nucleotide variant.
Coding change: c.4037C>T on transcript NM_138927.4 (MANE Select); coding-DNA position 4037, C replaced by T.
Protein change: p.Pro1346Leu; replaces proline 1346 with leucine.
Molecular consequence: missense variant. On other transcripts: non-coding transcript variant (1), intron variant (1).
Genome position (GRCh38, 1-based): chr21:33,553,268, C>T. VCF-style: chr21-33553268-C-T. GRCh37 (hg19) VCF-style: chr21-34925574-C-T.
Other names: c.4037C>T (NM_138927.1); c.4037C>T, p.Pro1346Leu (NM_001291411.2, NM_032195.3); c.245-3888C>T (NM_001291412.3); short protein forms P1346L.
Identifiers: ClinVar variation 1650397 (VCV001650397.33), dbSNP rs144767307, ClinGen allele CA10009428.
Genomic context (GRCh38, chr21:33,553,268, plus strand): 5'-CTACATCCTTGTTGGTTCCAGCAGTAACTACTCCAGTGCTGGCAGAGAGCATTCTGGAGC[C>T]GCCAGCCATGGCTGCCCCAGAGTCTTCAGCTATGGCTGTCCTGGAGTCTTCGGCTGTGAC-3'
Protein context (NP_620305.3, residues 1336-1356): TPVLAESILE[Pro1346Leu]PAMAAPESSA

ClinVar aggregate classification (germline): Benign/Likely benign. Review status: criteria provided, multiple submitters, no conflicts (2 of 4 stars). 3 submissions from 3 submitters: Benign (1); Likely benign (2). Last evaluated 2025-11-04.

Conditions:
Inborn genetic diseases. Identifiers: MedGen C0950123, MeSH D030342.

Allele frequency attached by ClinVar (database versions not stated): gnomAD exomes 0.00006 and 0.00009; ExAC 0.00010; 1000 Genomes Project 0.00020; ESP Exome Variant Server 0.00023; gnomAD 0.00036 and 0.00041; TOPMed 0.00042; 1000 Genomes Project 30x 0.00047.

Submissions (3):

Labcorp Genetics (formerly Invitae), Labcorp
Classification: Likely benign. Last evaluated: 2025-11-04. Review status: criteria provided, single submitter. Criteria: Invitae Variant Classification Sherloc (09022015). Collection method: clinical testing. Allele origin: germline.

Ambry Genetics
Classification: Likely benign for Inborn genetic diseases. Last evaluated: 2024-09-24. Review status: criteria provided, single submitter. Criteria: Ambry Variant Classification Scheme 2023. Collection method: clinical testing. Allele origin: germline.

CeGaT Center for Human Genetics Tuebingen
Classification: Benign. Last evaluated: 2022-09-01. Review status: criteria provided, single submitter. Criteria: CeGaT Center For Human Genetics Tuebingen Variant Classification Criteria Version 2. Collection method: clinical testing. Allele origin: germline. Affected: yes. Observed: 1 variant allele.
Comment: SON: BS1, BS2